The following is an entry in ClinVar:

ClinVar aggregate classification (germline): Uncertain significance. Review status: criteria provided, multiple submitters, no conflicts (2 of 4 stars). 2 submissions from 2 submitters: Uncertain significance (2). Last evaluated 2024-08-31.

Conditions:
Cardiovascular phenotype. Identifiers: MedGen CN230736.
Long QT syndrome (LQTS). Identifiers: MedGen C0023976, MeSH D008133, MONDO:0002442. Disease mechanism: loss of function. Inheritance: Various modes of inheritance.

Allele frequency attached by ClinVar (database versions not stated): gnomAD exomes below 0.00001; ExAC 0.00001; TOPMed 0.00001.
gnomAD v4.1: 2 of 1,614,190 alleles (0.00012%); highest among the groups gnomAD compares: African/African-American, 0.0013%; no homozygotes.

Submissions (2):

Ambry Genetics
Classification: Uncertain significance for Cardiovascular phenotype. Last evaluated: 2024-08-31. Review status: criteria provided, single submitter. Criteria: Ambry Variant Classification Scheme 2023. Collection method: clinical testing. Allele origin: germline.
Comment: The p.Y3674C variant (also known as c.11021A>G), located in coding exon 45 of the AKAP9 gene, results from an A to G substitution at nucleotide position 11021. The tyrosine at codon 3674 is replaced by cysteine, an amino acid with highly dissimilar properties. This amino acid position is conserved. In addition, this alteration is predicted to be tolerated by in silico analysis. Based on the available evidence, the clinical significance of this variant remains unclear.

Labcorp Genetics (formerly Invitae), Labcorp
Classification: Uncertain significance for Long QT syndrome. Last evaluated: 2022-05-11. Review status: criteria provided, single submitter. Criteria: Invitae Variant Classification Sherloc (09022015). Collection method: clinical testing. Allele origin: germline.
Comment: This sequence change replaces tyrosine, which is neutral and polar, with cysteine, which is neutral and slightly polar, at codon 3674 of the AKAP9 protein (p.Tyr3674Cys). This variant is present in population databases (rs780459368, gnomAD 0.007%). In summary, the available evidence is currently insufficient to determine the role of this variant in disease. Therefore, it has been classified as a Variant of Uncertain Significance. Algorithms developed to predict the effect of missense changes on protein structure and function output the following: SIFT: "Tolerated"; PolyPhen-2: "Benign"; Align-GVGD: "Class C0". The cysteine amino acid residue is found in multiple mammalian species, which suggests that this missense change does not adversely affect protein function. This variant has not been reported in the literature in individuals affected with AKAP9-related conditions.

NM_005751.5(AKAP9):c.11021A>G (p.Tyr3674Cys)

Gene: AKAP9 (A-kinase anchoring protein 9; plus strand). Cytogenetic location: 7q21.2.
Variant type: single nucleotide variant.
Coding change: c.11021A>G on transcript NM_005751.5 (MANE Select); coding-DNA position 11021, A replaced by G.
Protein change: p.Tyr3674Cys; replaces tyrosine 3674 with cysteine.
Molecular consequence: missense variant.
Genome position (GRCh38, 1-based): chr7:92,100,980, A>G. VCF-style: chr7-92100980-A-G. GRCh37 (hg19) VCF-style: chr7-91730294-A-G.
Other names: c.5666A>G, p.Tyr1889Cys (NM_001379277.1); c.10997A>G, p.Tyr3666Cys (NM_147185.3); short protein forms Y3666C, Y3674C, Y1889C.
Identifiers: ClinVar variation 2140591 (VCV002140591.5), dbSNP rs780459368, ClinGen allele CA4338070.